The following is an entry in ClinVar:

ClinVar aggregate classification (germline): Uncertain significance (1 of 4 stars; one submission).

Conditions:
DNAJB11-related disorder. Also called: DNAJB11-related condition.

Submission:

PreventionGenetics, part of Exact Sciences
Classification: Uncertain significance for DNAJB11-related condition. Last evaluated: 2025-12-02. Review status: criteria provided, single submitter. Criteria: ACMG Guidelines, 2015. Collection method: clinical testing. Allele origin: germline.
Comment: The DNAJB11 c.600-6C>G variant is predicted to interfere with splicing. This variant is predicted to alter splicing based on available splicing prediction programs (SpliceAI, Jaganathan et al. 2019. PubMed ID: 30661751). To our knowledge, this variant has not been reported in the literature or in a large population database (gnomAD), indicating this variant is rare. At this time, the clinical significance of this variant is uncertain due to the absence of conclusive functional and genetic evidence.

NM_016306.6(DNAJB11):c.600-6C>G

Gene: DNAJB11 (DnaJ heat shock protein family (Hsp40) member B11; plus strand). Cytogenetic location: 3q27.3.
Variant type: single nucleotide variant.
Coding change: c.600-6C>G on transcript NM_016306.6 (MANE Select); 6 bases into the intron before coding-DNA position 600, C replaced by G.
Molecular consequence: intron variant.
Genome position (GRCh38, 1-based): chr3:186,581,989, C>G. VCF-style: chr3-186581989-C-G. GRCh37 (hg19) VCF-style: chr3-186299778-C-G.
Other names: c.324-6C>G (NM_001378451.1).
Identifiers: ClinVar variation 4994144 (VCV004994144.1).